The following is an entry in ClinVar:

ClinVar aggregate classification (germline): Uncertain significance (1 of 4 stars; one submission).

Submission:

Labcorp Genetics (formerly Invitae), Labcorp
Classification: Uncertain significance. Last evaluated: 2022-01-13. Review status: criteria provided, single submitter. Criteria: Invitae Variant Classification Sherloc (09022015). Collection method: clinical testing. Allele origin: germline.
Comment: In summary, the available evidence is currently insufficient to determine the role of this variant in disease. Therefore, it has been classified as a Variant of Uncertain Significance. Experimental studies and prediction algorithms are not available or were not evaluated, and the functional significance of this variant is currently unknown. This variant has not been reported in the literature in individuals affected with CEP250-related conditions. This variant is a gross deletion of the genomic region encompassing exon(s) 12 of the CEP250 gene. This variant would be expected to be in-frame, preserving the integrity of the reading frame.

NC_000020.10:g.(?_34060478)_(34060676_?)del

Gene: CEP250 (centrosomal protein 250; plus strand). Cytogenetic location: 20q11.22.
Variant type: Deletion.
Identifiers: ClinVar variation 1432133 (VCV001432133.7).